The following is an entry in ClinVar:

NM_207361.6(FREM2):c.7663G>T (p.Val2555Leu)

Gene: FREM2 (FRAS1 related extracellular matrix 2; plus strand). Cytogenetic location: 13q13.3.
Variant type: single nucleotide variant.
Coding change: c.7663G>T on transcript NM_207361.6 (MANE Select); coding-DNA position 7663, G replaced by T.
Protein change: p.Val2555Leu; replaces valine 2555 with leucine.
Molecular consequence: missense variant.
Genome position (GRCh38, 1-based): chr13:38,864,286, G>T. VCF-style: chr13-38864286-G-T. GRCh37 (hg19) VCF-style: chr13-39438423-G-T.
Other names: c.7663G>T (NM_207361.5); short protein forms V2555L.
Identifiers: ClinVar variation 312019 (VCV000312019.30), dbSNP rs200997496, ClinGen allele CA6955953.

ClinVar aggregate classification (germline): Conflicting classifications of pathogenicity. Review status: criteria provided, conflicting classifications (1 of 4 stars). 5 submissions from 5 submitters: Uncertain significance (1); Likely benign (2). 2 of the submissions do not count toward it. Last evaluated 2026-02-04.

Conditions:
FREM2-related disorder. Also called: FREM2-related condition.
Fraser syndrome 2 (FRASRS2). Identifiers: MedGen C4540036, MONDO:0054738, OMIM 617666.
Epidermolysis bullosa simplex with nail dystrophy (EBS5D). Identifiers: MedGen C4225309, MONDO:0014661, OMIM 616487.

Allele frequency attached by ClinVar (database versions not stated): TOPMed 0.00001; 1000 Genomes Project 0.00060; 1000 Genomes Project 30x 0.00062.

Submissions (5):

Labcorp Genetics (formerly Invitae), Labcorp
Classification: Likely benign. Last evaluated: 2026-02-04. Review status: criteria provided, single submitter. Criteria: Invitae Variant Classification Sherloc (09022015). Collection method: clinical testing. Allele origin: germline.

CeGaT Center for Human Genetics Tuebingen
Classification: Likely benign. Last evaluated: 2024-08-01. Review status: criteria provided, single submitter. Criteria: CeGaT Center For Human Genetics Tuebingen Variant Classification Criteria Version 2. Collection method: clinical testing. Allele origin: germline. Affected: yes. Observed: 1 variant allele.
Comment: FREM2: BP4

Illumina Laboratory Services, Illumina
Classification: Uncertain significance for Fraser syndrome 2. Last evaluated: 2018-01-13. Review status: criteria provided, single submitter. Criteria: ICSL Variant Classification Criteria 13 December 2019. Collection method: clinical testing. Allele origin: germline.

PreventionGenetics, part of Exact Sciences
Classification: Likely benign for FREM2-related condition. Last evaluated: 2022-02-07. Review status: no assertion criteria provided. Collection method: clinical testing. Allele origin: germline. Not counted in ClinVar's aggregate classification.
Comment: This variant is classified as likely benign based on ACMG/AMP sequence variant interpretation guidelines (Richards et al. 2015 PMID: 25741868, with internal and published modifications).

Department of Molecular Biology and Genetics, Acibadem University
Classification: Uncertain significance for Epidermolysis bullosa simplex with nail dystrophy. Review status: no assertion criteria provided. Collection method: research. Allele origin: unknown. Inheritance: Autosomal recessive inheritance. Affected: yes. Not counted in ClinVar's aggregate classification.